The following is an entry in ClinVar:

ClinVar aggregate classification (germline): Uncertain significance. Review status: criteria provided, multiple submitters, no conflicts (2 of 4 stars). 2 submissions from 2 submitters: Uncertain significance (2). Last evaluated 2026-01-26.

Conditions:
Lethal congenital glycogen storage disease of heart. Also called: GLYCOGEN STORAGE DISEASE OF HEART; PHOSPHORYLASE KINASE DEFICIENCY OF HEART. Identifiers: Orphanet 439854, MedGen C1849813, MONDO:0009867, OMIM 261740.
Hypertrophic cardiomyopathy. Also called: HYPERTROPHIC MYOCARDIOPATHY. Identifiers: Orphanet 217569, MedGen C0007194, MeSH D002312, MONDO:0005045, HP:0001639.

Allele frequency attached by ClinVar (database versions not stated): gnomAD exomes below 0.00001.
gnomAD v4.1: 1 of 1,614,212 alleles (0.000062%); highest among the groups gnomAD compares: Non-Finnish European, 0.000085%; no homozygotes.

Submissions (2):

Labcorp Genetics (formerly Invitae), Labcorp
Classification: Uncertain significance for Lethal congenital glycogen storage disease of heart. Last evaluated: 2026-01-26. Review status: criteria provided, single submitter. Criteria: Invitae Variant Classification Sherloc (09022015). Collection method: clinical testing. Allele origin: germline.
Comment: This sequence change replaces proline, which is neutral and non-polar, with serine, which is neutral and polar, at codon 212 of the PRKAG2 protein (p.Pro212Ser). This variant is present in population databases (no rsID available, gnomAD 0.0009%). This missense change has been observed in individual(s) with hypertrophic cardiomyopathy (PMID: 37466024). ClinVar contains an entry for this variant (Variation ID: 3074089). Invitae Evidence Modeling of protein sequence and biophysical properties (such as structural, functional, and spatial information, amino acid conservation, physicochemical variation, residue mobility, and thermodynamic stability) indicates that this missense variant is not expected to disrupt PRKAG2 protein function with a negative predictive value of 95%. In summary, the available evidence is currently insufficient to determine the role of this variant in disease. Therefore, it has been classified as a Variant of Uncertain Significance.

All of Us Research Program, National Institutes of Health
Classification: Uncertain significance for Hypertrophic cardiomyopathy. Last evaluated: 2023-10-23. Review status: criteria provided, single submitter. Criteria: ACMG Guidelines, 2015. Collection method: clinical testing. Allele origin: germline. Inheritance: Autosomal dominant inheritance. Observed: 1 variant allele, 1 heterozygote.
Comment: This missense variant replaces proline with serine at codon 212 of the PRKAG2 protein. Computational prediction suggests that this variant may not impact protein structure and function (internally defined REVEL score threshold <= 0.5, PMID: 27666373). To our knowledge, functional studies have not been reported for this variant. This variant has not been reported in individuals affected with PRKAG2-related disorders in the literature. This variant has been identified in 1/251316 chromosomes in the general population by the Genome Aggregation Database (gnomAD). The available evidence is insufficient to determine the role of this variant in disease conclusively. Therefore, this variant is classified as a Variant of Uncertain Significance.

This study involves interpretation of variants in research participants for the purpose of population health screening. Participant phenotype was not available at the time of variant classification. Additional details can be found in publication PMID: 35346344, PMCID: PMC8962531

Literature cited by the submitters: PubMed 37466024 (cited by Labcorp Genetics (formerly Invitae), Labcorp).

NM_016203.4(PRKAG2):c.634C>T (p.Pro212Ser)

Gene: PRKAG2 (protein kinase AMP-activated non-catalytic subunit gamma 2; minus strand). Cytogenetic location: 7q36.1.
Variant type: single nucleotide variant.
Coding change: c.634C>T on transcript NM_016203.4 (MANE Select); coding-DNA position 634, C replaced by T.
Protein change: p.Pro212Ser; replaces proline 212 with serine.
Molecular consequence: missense variant. On other transcripts: intron variant (5).
Genome position (GRCh38, 1-based): chr7:151,675,470, G>A on the plus strand (C>T on the coding strand, the complement: PRKAG2 is on the minus strand). VCF-style: chr7-151675470-G-A. GRCh37 (hg19) VCF-style: chr7-151372556-G-A.
Other names: c.502C>T, p.Pro168Ser (NM_001040633.2, NM_001407024.1, NM_001407026.1 and 1 more transcripts); c.262C>T, p.Pro88Ser (NM_001304527.2, NM_001363698.2, NM_001407028.1 and 1 more transcripts); c.634C>T, p.Pro212Ser (NM_001407021.1, NM_001407022.1, NM_001407023.1); c.316C>T, p.Pro106Ser (NM_001407032.1); c.467-80019C>T (NM_001407031.1); c.467-80016C>T (NM_001407030.1); c.361-43332C>T (NM_001407033.1); c.94+60430C>T (NM_001407037.1); and 1 more; short protein forms P106S, P168S, P212S, P88S.
Identifiers: ClinVar variation 3074089 (VCV003074089.3), dbSNP rs1356539220, ClinGen allele CA370187165.